The following is an entry in ClinVar:

NM_025114.4(CEP290):c.2864A>G (p.Asn955Ser)

Gene: CEP290 (centrosomal protein 290; minus strand). Cytogenetic location: 12q21.32.
Variant type: single nucleotide variant.
Coding change: c.2864A>G on transcript NM_025114.4 (MANE Select); coding-DNA position 2864, A replaced by G.
Protein change: p.Asn955Ser; replaces asparagine 955 with serine.
Molecular consequence: missense variant.
Genome position (GRCh38, 1-based): chr12:88,102,965, T>C on the plus strand (A>G on the coding strand, the complement: CEP290 is on the minus strand). VCF-style: chr12-88102965-T-C. GRCh37 (hg19) VCF-style: chr12-88496742-T-C.
Other names: short protein forms N955S.
Identifiers: ClinVar variation 1381438 (VCV001381438.7), dbSNP rs1443848622, ClinGen allele CA385969809.

ClinVar aggregate classification (germline): Uncertain significance. Review status: criteria provided, multiple submitters, no conflicts (2 of 4 stars). 2 submissions from 2 submitters: Uncertain significance (2). Last evaluated 2024-04-30.

Conditions:
Joubert syndrome. Also called: CEREBELLOPARENCHYMAL DISORDER IV; JOUBERT-BOLTSHAUSER SYNDROME; Familial aplasia of the vermis. Identifiers: Orphanet 475, MedGen C5979921, MONDO:0018772.
Nephronophthisis. Also called: Juvenile Nephronophthisis. Identifiers: Orphanet 655, MedGen C0687120, MONDO:0019005, HP:0000090.
Meckel-Gruber syndrome. Also called: DYSENCEPHALIA SPLANCHNOCYSTICA; GRUBER SYNDROME; Dysencephalia splachnocystica. Identifiers: Orphanet 564, MedGen C0265215, MONDO:0018921.
Senior-Loken syndrome 6 (SLSN6). Identifiers: Orphanet 3156, MedGen C1857779, MONDO:0012433, OMIM 610189.
Joubert syndrome 5 (JBTS5). Identifiers: Orphanet 2318, MedGen C1857780, MONDO:0012432, OMIM 610188.
Bardet-Biedl syndrome 14 (BBS14). Identifiers: Orphanet 110, MedGen C2673874, MONDO:0014442, OMIM 615991.
Leber congenital amaurosis 10 (LCA10). Identifiers: Orphanet 65, MedGen C1857821, MONDO:0012723, OMIM 611755.
Meckel syndrome, type 4 (MKS4). Also called: MECKEL-GRUBER SYNDROME, TYPE 4. Identifiers: Orphanet 564, MedGen C1970161, MONDO:0012626, OMIM 611134.

Allele frequency attached by ClinVar (database versions not stated): gnomAD exomes below 0.00001; TOPMed 0.00001.
gnomAD v4.1: 2 of 1,587,582 alleles (0.00013%); highest among the groups gnomAD compares: South Asian, 0.0012%; no homozygotes.

Submissions (2):

Fulgent Genetics
Classification: Uncertain significance for Joubert syndrome 5; Senior-Loken syndrome 6; Meckel syndrome, type 4; Leber congenital amaurosis 10; Bardet-Biedl syndrome 14. Last evaluated: 2024-04-30. Review status: criteria provided, single submitter. Criteria: ACMG Guidelines, 2015. Collection method: clinical testing. Allele origin: germline.

Labcorp Genetics (formerly Invitae), Labcorp
Classification: Uncertain significance for Joubert syndrome; Meckel-Gruber syndrome; Nephronophthisis. Last evaluated: 2022-07-17. Review status: criteria provided, single submitter. Criteria: Invitae Variant Classification Sherloc (09022015). Collection method: clinical testing. Allele origin: germline.
Comment: This sequence change replaces asparagine, which is neutral and polar, with serine, which is neutral and polar, at codon 955 of the CEP290 protein (p.Asn955Ser). This variant is not present in population databases (gnomAD no frequency). This variant has not been reported in the literature in individuals affected with CEP290-related conditions. ClinVar contains an entry for this variant (Variation ID: 1381438). Algorithms developed to predict the effect of missense changes on protein structure and function (SIFT, PolyPhen-2, Align-GVGD) all suggest that this variant is likely to be tolerated. Algorithms developed to predict the effect of sequence changes on RNA splicing suggest that this variant may disrupt the consensus splice site. In summary, the available evidence is currently insufficient to determine the role of this variant in disease. Therefore, it has been classified as a Variant of Uncertain Significance.